The following is an entry in ClinVar:

NM_001298.3(CNGA3):c.2026C>T (p.Pro676Ser)

Gene: CNGA3 (cyclic nucleotide gated channel subunit alpha 3; plus strand). Cytogenetic location: 2q11.2.
Variant type: single nucleotide variant.
Coding change: c.2026C>T on transcript NM_001298.3 (MANE Select); coding-DNA position 2026, C replaced by T.
Protein change: p.Pro676Ser; replaces proline 676 with serine.
Molecular consequence: missense variant.
Genome position (GRCh38, 1-based): chr2:98,397,196, C>T. VCF-style: chr2-98397196-C-T. GRCh37 (hg19) VCF-style: chr2-99013659-C-T.
Other names: c.1972C>T, p.Pro658Ser (NM_001079878.2); short protein forms P658S, P676S.
Identifiers: ClinVar variation 965175 (VCV000965175.9), dbSNP rs751281453, ClinGen allele CA1794135.

ClinVar aggregate classification (germline): Uncertain significance (1 of 4 stars; one submission).

Allele frequency attached by ClinVar (database versions not stated): gnomAD 0.00001; gnomAD exomes 0.00001; ExAC 0.00002.
gnomAD v4.1: 14 of 1,613,990 alleles (0.00087%); highest among the groups gnomAD compares: Admixed American, 0.0083%; no homozygotes.

Submission:

Labcorp Genetics (formerly Invitae), Labcorp
Classification: Uncertain significance. Last evaluated: 2024-02-17. Review status: criteria provided, single submitter. Criteria: Invitae Variant Classification Sherloc (09022015). Collection method: clinical testing. Allele origin: germline.
Comment: This sequence change replaces proline, which is neutral and non-polar, with serine, which is neutral and polar, at codon 676 of the CNGA3 protein (p.Pro676Ser). This variant is present in population databases (rs751281453, gnomAD 0.006%). This variant has not been reported in the literature in individuals affected with CNGA3-related conditions. ClinVar contains an entry for this variant (Variation ID: 965175). Advanced modeling of protein sequence and biophysical properties (such as structural, functional, and spatial information, amino acid conservation, physicochemical variation, residue mobility, and thermodynamic stability) performed at Invitae indicates that this missense variant is not expected to disrupt CNGA3 protein function with a negative predictive value of 95%. In summary, the available evidence is currently insufficient to determine the role of this variant in disease. Therefore, it has been classified as a Variant of Uncertain Significance.